The following is an entry in ClinVar:

NM_003664.5(AP3B1):c.637G>C (p.Glu213Gln)

Gene: AP3B1 (adaptor related protein complex 3 subunit beta 1; minus strand). Cytogenetic location: 5q14.1.
Variant type: single nucleotide variant.
Coding change: c.637G>C on transcript NM_003664.5 (MANE Select); coding-DNA position 637, G replaced by C.
Protein change: p.Glu213Gln; replaces glutamic acid 213 with glutamine.
Molecular consequence: missense variant.
Genome position (GRCh38, 1-based): chr5:78,216,204, C>G on the plus strand (G>C on the coding strand, the complement: AP3B1 is on the minus strand). VCF-style: chr5-78216204-C-G. GRCh37 (hg19) VCF-style: chr5-77512028-C-G.
Other names: c.490G>C, p.Glu164Gln (NM_001271769.2); short protein forms E164Q, E213Q.
Identifiers: ClinVar variation 1348555 (VCV001348555.5), dbSNP rs1485047029, ClinGen allele CA360191039.
Genomic context (GRCh38, chr5:78,216,204, plus strand): 5'-GTAAGTTACATAGCTTGCGGTAATTTTTATGAATCAGATCTATTCTGTCCGGGCATACTT[C>G]TTCAAAAGCCATCACAACACTGCCAGCTACCAACTAGAAAAGAAAGAAATAGTAACTTAT-3'
Protein context (NP_003655.3, residues 203-223): VAGSVVMAFE[Glu213Gln]VCPDRIDLIH

ClinVar aggregate classification (germline): Uncertain significance (1 of 4 stars; one submission).

Conditions:
Hermansky-Pudlak syndrome 2 (HPS2). Also called: Platelet defects and oculocutaneous albinism. Identifiers: Orphanet 183678, Orphanet 79430, MedGen C1842362, MONDO:0011997, OMIM 608233.

Allele frequency attached by ClinVar (database versions not stated): TOPMed below 0.00001; gnomAD 0.00001; gnomAD exomes 0.00001.
gnomAD v4.1: 5 of 1,613,826 alleles (0.00031%); highest among the groups gnomAD compares: Middle Eastern, 0.016%; no homozygotes.

Submission:

Labcorp Genetics (formerly Invitae), Labcorp
Classification: Uncertain significance for Hermansky-Pudlak syndrome 2. Last evaluated: 2022-07-05. Review status: criteria provided, single submitter. Criteria: Invitae Variant Classification Sherloc (09022015). Collection method: clinical testing. Allele origin: germline.
Comment: This sequence change replaces glutamic acid, which is acidic and polar, with glutamine, which is neutral and polar, at codon 213 of the AP3B1 protein (p.Glu213Gln). This variant is present in population databases (no rsID available, gnomAD 0.003%). This variant has not been reported in the literature in individuals affected with AP3B1-related conditions. ClinVar contains an entry for this variant (Variation ID: 1348555). Algorithms developed to predict the effect of missense changes on protein structure and function are either unavailable or do not agree on the potential impact of this missense change (SIFT: "Deleterious"; PolyPhen-2: "Possibly Damaging"; Align-GVGD: "Class C0"). In summary, the available evidence is currently insufficient to determine the role of this variant in disease. Therefore, it has been classified as a Variant of Uncertain Significance.